The following is an entry in ClinVar:

NM_001105206.3(LAMA4):c.486T>C (p.Ala162=)

Gene: LAMA4 (laminin subunit alpha 4; minus strand). Cytogenetic location: 6q21.
Variant type: single nucleotide variant.
Coding change: c.486T>C on transcript NM_001105206.3 (MANE Select); coding-DNA position 486, T replaced by C.
Protein change: p.Ala162=; no amino-acid change (alanine 162 retained).
Molecular consequence: synonymous variant.
Genome position (GRCh38, 1-based): chr6:112,201,625, A>G on the plus strand (T>C on the coding strand, the complement: LAMA4 is on the minus strand). VCF-style: chr6-112201625-A-G. GRCh37 (hg19) VCF-style: chr6-112522826-A-G.
Other names: c.486T>C, p.Ala162= (NM_001105207.3, NM_002290.5).
Identifiers: ClinVar variation 44399 (VCV000044399.26), dbSNP rs397516734, ClinGen allele CA134053.
Genomic context (GRCh38, chr6:112,201,625, plus strand): 5'-TTCCTTTGACCCACACAGAAAATAGAGAATTTTATTGGCTTACCTTTCACAGTTAGGTCC[A>G]GCATAATTTTCGTTACAAATGCACCGAACAGCTCCATTTTTCCTATAGCAGGATTCTGCA-3'
Protein context (NP_001098676.2, residues 152-172): AVRCICNENY[Ala162=]GPNCERCAPG

ClinVar aggregate classification (germline): Benign/Likely benign. Review status: criteria provided, multiple submitters, no conflicts (2 of 4 stars). 8 submissions from 8 submitters: Benign (2); Likely benign (3). 3 of the submissions do not count toward it. Last evaluated 2025-05-28.

Conditions:
LAMA4-related disorder. Also called: LAMA4-related condition.
Cardiovascular phenotype. Identifiers: MedGen CN230736.
Dilated cardiomyopathy 1JJ (CMD1JJ). Identifiers: Orphanet 154, MedGen C3808935, MONDO:0014095, OMIM 615235.
Cardiomyopathy (CMYO). Also called: Cardiomyopathies. Identifiers: Orphanet 167848, MedGen C0878544, MONDO:0004994, HP:0001638. Inheritance: Various modes of inheritance.

Allele frequency attached by ClinVar (database versions not stated): gnomAD 0.00001 and 0.00037; TOPMed 0.00006; gnomAD exomes 0.00059 and 0.00118; ExAC 0.00132; 1000 Genomes Project 30x 0.00359; 1000 Genomes Project 0.00379.
gnomAD v4.1: 935 of 1,613,888 alleles (0.058%); highest among the groups gnomAD compares: South Asian, 0.96%; 14 homozygotes.

Submissions (8):

Labcorp Genetics (formerly Invitae), Labcorp
Classification: Benign for Dilated cardiomyopathy 1JJ. Last evaluated: 2025-05-28. Review status: criteria provided, single submitter. Criteria: Invitae Variant Classification Sherloc (09022015). Collection method: clinical testing. Allele origin: germline.

Blueprint Genetics
Classification: Likely benign. Last evaluated: 2024-07-11. Review status: criteria provided, single submitter. Criteria: ACMG Guidelines, 2015. Collection method: clinical testing. Allele origin: germline.

CHEO Genetics Diagnostic Laboratory, Children's Hospital of Eastern Ontario
Classification: Benign for Cardiomyopathy. Last evaluated: 2018-07-30. Review status: criteria provided, single submitter. Criteria: ACMG Guidelines, 2015. Collection method: clinical testing. Allele origin: germline.

Ambry Genetics
Classification: Likely benign for Cardiovascular phenotype. Last evaluated: 2017-01-05. Review status: criteria provided, single submitter. Criteria: Ambry Variant Classification Scheme 2023. Collection method: clinical testing. Allele origin: germline.

Laboratory for Molecular Medicine, Mass General Brigham Personalized Medicine
Classification: Likely benign. Last evaluated: 2013-01-23. Review status: criteria provided, single submitter. Criteria: LMM Criteria. Collection method: clinical testing. Allele origin: germline. Observed: 2 variant alleles.
Comment: Ala162Ala in exon 5 of LAMA4: This variant is not expected to have clinical sign ificance because it does not alter an amino acid residue and is not located with in the splice consensus sequence. Ala162Ala in exon 5 of LAMA4 (allele frequenc y = n/a)

PreventionGenetics, part of Exact Sciences
Classification: Benign for LAMA4-related condition. Last evaluated: 2024-04-04. Review status: no assertion criteria provided. Collection method: clinical testing. Allele origin: germline. Not counted in ClinVar's aggregate classification.
Comment: This variant is classified as benign based on ACMG/AMP sequence variant interpretation guidelines (Richards et al. 2015 PMID: 25741868, with internal and published modifications).

Clinical Genetics DNA and cytogenetics Diagnostics Lab, Erasmus MC, Erasmus Medical Center
Classification: Likely benign. Review status: no assertion criteria provided. Collection method: clinical testing. Allele origin: germline. Affected: yes. Study: VKGL Data-share Consensus. Not counted in ClinVar's aggregate classification.

Clinical Genetics, Academic Medical Center
Classification: Benign. Review status: no assertion criteria provided. Collection method: clinical testing. Allele origin: germline. Affected: yes. Study: VKGL Data-share Consensus. Not counted in ClinVar's aggregate classification.